The following is an entry in ClinVar:

ClinVar aggregate classification (germline): Likely benign (0 of 4 stars; one submission).

Conditions:
MYO5B-related disorder. Also called: MYO5B-related condition.

Allele frequency attached by ClinVar (database versions not stated): ExAC 0.00691.

Submission:

PreventionGenetics, part of Exact Sciences
Classification: Likely benign for MYO5B-related condition. Last evaluated: 2023-03-28. Review status: no assertion criteria provided. Collection method: clinical testing. Allele origin: germline.
Comment: This variant is classified as likely benign based on ACMG/AMP sequence variant interpretation guidelines (Richards et al. 2015 PMID: 25741868, with internal and published modifications).

NM_001080467.3(MYO5B):c.2450T>G (p.Val817Gly)

Gene: MYO5B (myosin VB; minus strand). Cytogenetic location: 18q21.1.
Variant type: single nucleotide variant.
Coding change: c.2450T>G on transcript NM_001080467.3 (MANE Select); coding-DNA position 2450, T replaced by G.
Protein change: p.Val817Gly; replaces valine 817 with glycine.
Molecular consequence: missense variant.
Genome position (GRCh38, 1-based): chr18:49,904,793, A>C on the plus strand (T>G on the coding strand, the complement: MYO5B is on the minus strand). VCF-style: chr18-49904793-A-C. GRCh37 (hg19) VCF-style: chr18-47431163-A-C.
Other names: short protein forms V817G.
Identifiers: ClinVar variation 3051104 (VCV003051104.2), dbSNP rs201123859, ClinGen allele CA8961072.